The following is an entry in ClinVar:

ClinVar aggregate classification (germline): Uncertain significance (1 of 4 stars; one submission).

gnomAD v4.1: 1 of 1,613,898 alleles (0.000062%); highest among the groups gnomAD compares: Middle Eastern, 0.016%; no homozygotes.

Submission:

Labcorp Genetics (formerly Invitae), Labcorp
Classification: Uncertain significance. Last evaluated: 2025-05-07. Review status: criteria provided, single submitter. Criteria: Invitae Variant Classification Sherloc (09022015). Collection method: clinical testing. Allele origin: germline.
Comment: This sequence change replaces glycine, which is neutral and non-polar, with aspartic acid, which is acidic and polar, at codon 212 of the KLC2 protein (p.Gly212Asp). This variant is not present in population databases (gnomAD no frequency). This variant has not been reported in the literature in individuals affected with KLC2-related conditions. An algorithm developed to predict the effect of missense changes on protein structure and function (PolyPhen-2) suggests that this variant is likely to be disruptive. In summary, the available evidence is currently insufficient to determine the role of this variant in disease. Therefore, it has been classified as a Variant of Uncertain Significance.

NM_001318734.2(KLC2):c.635G>A (p.Gly212Asp)

Genes: KLC2 (kinesin light chain 2; plus strand), KLC2-AS1 (KLC2 antisense RNA 1; minus strand). Cytogenetic location: 11q13.2.
Variant type: single nucleotide variant.
Coding change: c.635G>A on transcript NM_001318734.2 (MANE Select); coding-DNA position 635, G replaced by A.
Protein change: p.Gly212Asp; replaces glycine 212 with aspartic acid.
Molecular consequence: missense variant.
Genome position (GRCh38, 1-based): chr11:66,262,919, G>A. VCF-style: chr11-66262919-G-A. GRCh37 (hg19) VCF-style: chr11-66030390-G-A.
Other names: c.404G>A, p.Gly135Asp (NM_001134774.2); c.635G>A, p.Gly212Asp (NM_001134775.2, NM_001134776.2, NM_022822.3); short protein forms G135D, G212D.
Identifiers: ClinVar variation 4771089 (VCV004771089.1).